The following is an entry in ClinVar:

NM_014875.3(KIF14):c.595A>G (p.Thr199Ala)

Gene: KIF14 (kinesin family member 14; minus strand). Cytogenetic location: 1q32.1.
Variant type: single nucleotide variant.
Coding change: c.595A>G on transcript NM_014875.3 (MANE Select); coding-DNA position 595, A replaced by G.
Protein change: p.Thr199Ala; replaces threonine 199 with alanine.
Molecular consequence: missense variant. On other transcripts: 5 prime UTR variant (1).
Genome position (GRCh38, 1-based): chr1:200,618,129, T>C on the plus strand (A>G on the coding strand, the complement: KIF14 is on the minus strand). VCF-style: chr1-200618129-T-C. GRCh37 (hg19) VCF-style: chr1-200587257-T-C.
Other names: c.-791A>G (NM_001305792.1); short protein forms T199A.
Identifiers: ClinVar variation 1033715 (VCV001033715.1), dbSNP rs765579360, ClinGen allele CA1318000.

ClinVar aggregate classification (germline): Uncertain significance (1 of 4 stars; one submission).

Conditions:
Microcephaly 20, primary, autosomal recessive. Identifiers: MedGen C4693572, MONDO:0054761, OMIM 617914.

Allele frequency attached by ClinVar (database versions not stated): ExAC 0.00001; gnomAD 0.00001.
gnomAD v4.1: 1 of 1,613,950 alleles (0.000062%); highest among the groups gnomAD compares: African/African-American, 0.0013%; no homozygotes.

Submission:

Baylor Genetics
Classification: Uncertain significance for Microcephaly 20, primary, autosomal recessive. Last evaluated: 2018-06-08. Review status: criteria provided, single submitter. Criteria: ACMG Guidelines, 2015. Collection method: clinical testing. Allele origin: maternal. Affected: yes.
Comment: This variant was determined to be of uncertain significance according to ACMG Guidelines, 2015 [PMID:25741868].